The following is an entry in ClinVar:

NM_001267550.2(TTN):c.5799A>G (p.Glu1933=)

Gene: TTN (titin; minus strand). Cytogenetic location: 2q31.2.
Variant type: single nucleotide variant.
Coding change: c.5799A>G on transcript NM_001267550.2 (MANE Select); coding-DNA position 5799, A replaced by G.
Protein change: p.Glu1933=; no amino-acid change (glutamic acid 1933 retained).
Molecular consequence: synonymous variant.
Genome position (GRCh38, 1-based): chr2:178,776,065, T>C on the plus strand (A>G on the coding strand, the complement: TTN is on the minus strand). VCF-style: chr2-178776065-T-C. GRCh37 (hg19) VCF-style: chr2-179640792-T-C.
Other names: c.5799A>G, p.Glu1933= (NM_001256850.1, NM_133378.4, NM_133379.5); c.5661A>G, p.Glu1887= (NM_003319.4, NM_133432.3, NM_133437.4).
Identifiers: ClinVar variation 1104828 (VCV001104828.18), dbSNP rs1193394666, ClinGen allele CA430280299.

ClinVar aggregate classification (germline): Likely benign. Review status: criteria provided, multiple submitters, no conflicts (2 of 4 stars). 3 submissions from 3 submitters: Likely benign (3). Last evaluated 2026-09-21.

Conditions:
Autosomal recessive limb-girdle muscular dystrophy type 2J (LGMDR10). Also called: Limb-girdle muscular dystrophy, type 2J; MUSCULAR DYSTROPHY, LIMB-GIRDLE, AUTOSOMAL RECESSIVE 10. Identifiers: Orphanet 140922, MedGen C1837342, MONDO:0012127, OMIM 608807.
Dilated cardiomyopathy 1G (CMD1G). Identifiers: Orphanet 154, MedGen C1858763, MONDO:0011400, OMIM 604145.

Allele frequency attached by ClinVar (database versions not stated): gnomAD exomes below 0.00001 and 0.00001.
gnomAD v4.1: 4 of 1,614,182 alleles (0.00025%); highest among the groups gnomAD compares: Non-Finnish European, 0.00025%; no homozygotes.

Submissions (3):

Molecular Diagnostic Laboratory for Inherited Cardiovascular Disease, Montreal Heart Institute
Classification: Likely benign. Last evaluated: 2026-09-21. Review status: criteria provided, single submitter. Criteria: ACMG Guidelines, 2015. Collection method: clinical testing. Allele origin: germline. Affected: no.
Comment: BP7

CeGaT Center for Human Genetics Tuebingen
Classification: Likely benign. Last evaluated: 2025-10-01. Review status: criteria provided, single submitter. Criteria: CeGaT Center For Human Genetics Tuebingen Variant Classification Criteria Version 2. Collection method: clinical testing. Allele origin: germline. Affected: yes. Observed: 1 variant allele.
Comment: TTN: BP4, BP7

Labcorp Genetics (formerly Invitae), Labcorp
Classification: Likely benign for Dilated cardiomyopathy 1G; Autosomal recessive limb-girdle muscular dystrophy type 2J. Last evaluated: 2023-01-10. Review status: criteria provided, single submitter. Criteria: Invitae Variant Classification Sherloc (09022015). Collection method: clinical testing. Allele origin: germline.